The following is an entry in ClinVar:

NM_006904.7(PRKDC):c.3205C>A (p.His1069Asn)

Gene: PRKDC (protein kinase, DNA-activated, catalytic subunit; minus strand). Cytogenetic location: 8q11.21.
Variant type: single nucleotide variant.
Coding change: c.3205C>A on transcript NM_006904.7 (MANE Select); coding-DNA position 3205, C replaced by A.
Protein change: p.His1069Asn; replaces histidine 1069 with asparagine.
Molecular consequence: missense variant.
Genome position (GRCh38, 1-based): chr8:47,902,633, G>T on the plus strand (C>A on the coding strand, the complement: PRKDC is on the minus strand). VCF-style: chr8-47902633-G-T. GRCh37 (hg19) VCF-style: chr8-48815193-G-T.
Other names: c.3205C>A, p.His1069Asn (NM_001081640.2); short protein forms H1069N.
Identifiers: ClinVar variation 3225827 (VCV003225827.1), dbSNP rs1267527235, ClinGen allele CA371156691.
Genomic context (GRCh38, chr8:47,902,633, plus strand): 5'-ATTCCCTGTAGATATTATTAAAGGCAAGTGATGCTCCCAGCCTCTTGAAAGCATTGGGGT[G>T]AAGCGCAAGGCTATAAAGTCGCTTGAAAAGCGATTTGGTGTTTACTGGACTCTTCTCCTG-3'
Protein context (NP_008835.5, residues 1059-1079): LFKRLYSLAL[His1069Asn]PNAFKRLGAS

ClinVar aggregate classification (germline): Uncertain significance (1 of 4 stars; one submission).

gnomAD v4.1: 1 of 1,612,738 alleles (0.000062%); highest among the groups gnomAD compares: East Asian, 0.0022%; no homozygotes.

Submission:

Ambry Genetics
Classification: Uncertain significance. Last evaluated: 2023-09-27. Review status: criteria provided, single submitter. Criteria: Ambry Variant Classification Scheme 2023. Collection method: clinical testing. Allele origin: germline.
Comment: The p.H1069N variant (also known as c.3205C>A), located in coding exon 27 of the PRKDC gene, results from a C to A substitution at nucleotide position 3205. The histidine at codon 1069 is replaced by asparagine, an amino acid with similar properties. This amino acid position is conserved. In addition, the in silico prediction for this alteration is inconclusive. Since supporting evidence is limited at this time, the clinical significance of this alteration remains unclear.